The following is an entry in ClinVar:

NM_000271.5(NPC1):c.852del (p.Phe284fs)

Gene: NPC1 (NPC intracellular cholesterol transporter 1; minus strand). Cytogenetic location: 18q11.2.
Variant type: Deletion.
Coding change: c.852del on transcript NM_000271.5 (MANE Select); coding-DNA position 852, one base deleted (T; older notation c.852delT).
Protein change: p.Phe284fs; shifts the reading frame from phenylalanine 284.
Molecular consequence: frameshift variant.
Genome position (GRCh38, 1-based): chr18:23,560,260, A deleted on the plus strand (T on the coding strand, the reverse complement: NPC1 is on the minus strand); the first of 6 consecutive A bases (chr18:23,560,260-23,560,265); deleting any one gives the same sequence. VCF-style (leftmost placement, unchanged base first): chr18-23560259-CA-C. GRCh37 (hg19) VCF-style: chr18-21140223-CA-C.
Other names: c.852del (NM_000271.4); short protein forms F284fs.
Identifiers: ClinVar variation 371187 (VCV000371187.21), dbSNP rs762124334, ClinGen allele CA16041920.

ClinVar aggregate classification (germline): Pathogenic. Review status: criteria provided, multiple submitters, no conflicts (2 of 4 stars). 7 submissions from 7 submitters: Pathogenic (5). 2 of the submissions do not count toward it. Last evaluated 2025-08-20.

Conditions:
NPC1-related disorder. Also called: NPC1-related condition.
Niemann-Pick disease, type C (NPC). Identifiers: Orphanet 646, MedGen C0220756, MONDO:0018982.
Niemann-Pick disease, type C1. Also called: NEUROVISCERAL STORAGE DISEASE WITH VERTICAL SUPRANUCLEAR OPHTHALMOPLEGIA; NIEMANN-PICK DISEASE WITH CHOLESTEROL ESTERIFICATION BLOCK; NIEMANN-PICK DISEASE WITHOUT SPHINGOMYELINASE DEFICIENCY; NIEMANN-PICK DISEASE, CHRONIC NEURONOPATHIC FORM; NIEMANN-PICK DISEASE, VARIANT TYPE C1. Identifiers: Orphanet 646, MedGen C3179455, MONDO:0009757, OMIM 257220.

Submissions (7):

PreventionGenetics, part of Exact Sciences
Classification: Pathogenic for NPC1-related condition. Last evaluated: 2025-08-20. Review status: criteria provided, single submitter. Criteria: ACMG Guidelines, 2015. Collection method: clinical testing. Allele origin: germline.
Comment: The NPC1 c.852delT variant is predicted to result in a frameshift and premature protein termination (p.Phe284Leufs*26). This variant was reported in the homozygous and compound heterozygous state in multiple individuals with Niemann-Pick disease, type C (See for example Fancello et al. 2009. PubMed ID: 19252935; Dardis et al. 2020. PubMed ID: 32138288; Mavridou et al. 2017. PubMed ID: 28105569). This variant has not been reported in a large population database (gnomAD), indicating this variant is rare. This variant is interpreted as pathogenic.

Laboratory of Medical Genetics, National & Kapodistrian University of Athens
Classification: Pathogenic for Niemann-Pick disease, type C1. Last evaluated: 2024-02-01. Review status: criteria provided, single submitter. Criteria: ACMG Guidelines, 2015. Collection method: curation. Allele origin: germline. Affected: no.

Labcorp Genetics (formerly Invitae), Labcorp
Classification: Pathogenic for Niemann-Pick disease, type C1. Last evaluated: 2023-04-24. Review status: criteria provided, single submitter. Criteria: Invitae Variant Classification Sherloc (09022015). Collection method: clinical testing. Allele origin: germline.
Comment: This variant is not present in population databases (gnomAD no frequency). This premature translational stop signal has been observed in individual(s) with Niemann-Pick type C disease (PMID: 19252935, 23142039). ClinVar contains an entry for this variant (Variation ID: 371187). This sequence change creates a premature translational stop signal (p.Phe284Leufs*26) in the NPC1 gene. It is expected to result in an absent or disrupted protein product. Loss-of-function variants in NPC1 are known to be pathogenic (PMID: 9211850). For these reasons, this variant has been classified as Pathogenic.

3billion
Classification: Pathogenic for Niemann-Pick disease, type C1. Last evaluated: 2023-02-23. Review status: criteria provided, single submitter. Criteria: ACMG Guidelines, 2015. Collection method: clinical testing. Allele origin: unknown. Affected: yes.
Comment: The variant is not observed in the gnomAD v2.1.1 dataset. This variant was predicted to result in a loss or disruption of normal protein function through nonsense-mediated decay (NMD) or protein truncation. Multiple pathogenic variants are reported downstream of the variant. The variant has been reported at least twice as pathogenic with clinical assertions and evidence for the classification (PMID: 19252935 / 3billion dataset). Therefore, this variant is classified as Pathogenic according to the recommendation of ACMG/AMP guideline.

Women's Health and Genetics/Laboratory Corporation of America, LabCorp
Classification: Pathogenic for Niemann-Pick disease, type C. Last evaluated: 2021-09-04. Review status: criteria provided, single submitter. Criteria: LabCorp Variant Classification Summary - May 2015. Collection method: clinical testing. Allele origin: germline.
Comment: Variant summary: NPC1 c.852delT (p.Phe284LeufsX26) results in a premature termination codon, predicted to cause a truncation of the encoded protein or absence of the protein due to nonsense mediated decay, which are commonly known mechanisms for disease. Truncations downstream of this position have been classified as pathogenic by our laboratory. The variant was absent in 250484 control chromosomes. c.852delT has been reported in the literature in multiple individuals affected with Niemann-Pick Disease Type C (example, Fancello_2009, Rodrguez-Pascau_2012). These data indicate that the variant is very likely to be associated with disease. To our knowledge, no experimental evidence demonstrating an impact on protein function has been reported. Two clinical diagnostic laboratories have submitted clinical-significance assessments for this variant to ClinVar after 2014 without evidence for independent evaluation. All laboratories classified the variant as pathogenic. Based on the evidence outlined above, the variant was classified as pathogenic.

Natera, Inc.
Classification: Pathogenic for Niemann-Pick disease type C1. Last evaluated: 2021-05-04. Review status: no assertion criteria provided. Collection method: clinical testing. Allele origin: germline. Not counted in ClinVar's aggregate classification.

Counsyl
Classification: Pathogenic for Niemann-Pick disease, type C1. Last evaluated: 2016-07-21. Review status: no assertion criteria provided. Collection method: clinical testing. Allele origin: unknown. Not counted in ClinVar's aggregate classification.

Literature cited by the submitters: PubMed 19252935 (cited by 4 submitters); PubMed 23142039 (cited by 3 submitters); PubMed 9211850 (cited by Labcorp Genetics (formerly Invitae), Labcorp).